The following is an entry in ClinVar:

ClinVar aggregate classification (germline): Uncertain significance (1 of 4 stars; one submission).

Conditions:
CHARGE syndrome (CHARGE). Also called: Hittner Hirsch Kreh syndrome; CHARGE ASSOCIATION--COLOBOMA, HEART ANOMALY, CHOANAL ATRESIA, RETARDATION, GENITAL AND EAR ANOMALIES; Coloboma, heart anomaly, choanal atresia, retardation, genital and ear anomalies; CHARGE association; Hall-Hittner syndrome. Identifiers: Orphanet 138, MedGen C0265354, MONDO:0008965.

Submission:

Labcorp Genetics (formerly Invitae), Labcorp
Classification: Uncertain significance for CHARGE syndrome. Last evaluated: 2018-04-26. Review status: criteria provided, single submitter. Criteria: Invitae Variant Classification Sherloc (09022015). Collection method: clinical testing. Allele origin: germline.
Comment: This variant is not present in population databases (ExAC no frequency). In summary, the available evidence is currently insufficient to determine the role of this variant in disease. Therefore, it has been classified as a Variant of Uncertain Significance. Algorithms developed to predict the effect of missense changes on protein structure and function (SIFT, PolyPhen-2, Align-GVGD) all suggest that this variant is likely to be disruptive, but these predictions have not been confirmed by published functional studies and their clinical significance is uncertain. This variant has not been reported in the literature in individuals with CHD7-related disease. This sequence change replaces glycine with serine at codon 996 of the CHD7 protein (p.Gly996Ser). The glycine residue is highly conserved and there is a small physicochemical difference between glycine and serine.

NM_017780.4(CHD7):c.2986G>A (p.Gly996Ser)

Gene: CHD7 (chromodomain helicase DNA binding protein 7; plus strand). Cytogenetic location: 8q12.2.
Variant type: single nucleotide variant.
Coding change: c.2986G>A on transcript NM_017780.4 (MANE Select); coding-DNA position 2986, G replaced by A.
Protein change: p.Gly996Ser; replaces glycine 996 with serine.
Molecular consequence: missense variant. On other transcripts: intron variant (1).
Genome position (GRCh38, 1-based): chr8:60,822,531, G>A. VCF-style: chr8-60822531-G-A. GRCh37 (hg19) VCF-style: chr8-61735090-G-A.
Other names: c.1717-39698G>A (NM_001316690.1); short protein forms G996S.
Identifiers: ClinVar variation 459544 (VCV000459544.8), dbSNP rs1554597672, ClinGen allele CA371309072.